The following is an entry in ClinVar:

ClinVar aggregate classification (germline): Uncertain significance (1 of 4 stars; one submission).

Submission:

Ambry Genetics
Classification: Uncertain significance. Last evaluated: 2025-01-17. Review status: criteria provided, single submitter. Criteria: Ambry Variant Classification Scheme 2023. Collection method: clinical testing. Allele origin: germline.
Comment: The p.R396S variant (also known as c.1186C>A), located in coding exon 8 of the ATRIP gene, results from a C to A substitution at nucleotide position 1186. The arginine at codon 396 is replaced by serine, an amino acid with dissimilar properties. This amino acid position is conserved. In addition, this alteration is predicted to be tolerated by in silico analysis. Based on the available evidence, the clinical significance of this variant remains unclear.

NM_130384.3(ATRIP):c.1186C>A (p.Arg396Ser)

Genes: ATRIP (ATR interacting protein; plus strand), ATRIP-TREX1 (ATRIP-TREX1 readthrough; plus strand). Cytogenetic location: 3p21.31.
Variant type: single nucleotide variant.
Coding change: c.1186C>A on transcript NM_130384.3 (MANE Select); coding-DNA position 1186, C replaced by A.
Protein change: p.Arg396Ser; replaces arginine 396 with serine.
Molecular consequence: missense variant. On other transcripts: non-coding transcript variant (1).
Genome position (GRCh38, 1-based): chr3:48,460,240, C>A. VCF-style: chr3-48460240-C-A. GRCh37 (hg19) VCF-style: chr3-48501639-C-A.
Other names: c.805C>A, p.Arg269Ser (NM_001271022.2); c.907C>A, p.Arg303Ser (NM_001271023.2); c.1186C>A, p.Arg396Ser (NM_032166.4); short protein forms R303S, R269S, R396S.
Identifiers: ClinVar variation 3809958 (VCV003809958.1).
Genomic context (GRCh38, chr3:48,460,240, plus strand): 5'-AGAGAAGCACAGAACCTGGCATTCACTGGACTGAATCTGGTTGCCCGGAATGAGTGCTCA[C>A]GTGATGGAGACCCAGCAGAGGGAGGCAGAAGGGCCTTCCCACTCTGCCAGCTTCCTGGAG-3'
Protein context (NP_569055.1, residues 386-406): LNLVARNECS[Arg396Ser]DGDPAEGGRR